The following is an entry in ClinVar:

NM_000505.4(F12):c.1299C>T (p.Asn433=)

Gene: F12 (coagulation factor XII; minus strand). Cytogenetic location: 5q35.3.
Variant type: single nucleotide variant.
Coding change: c.1299C>T on transcript NM_000505.4 (MANE Select); coding-DNA position 1299, C replaced by T.
Protein change: p.Asn433=; no amino-acid change (asparagine 433 retained).
Molecular consequence: synonymous variant.
Genome position (GRCh38, 1-based): chr5:177,403,569, G>A on the plus strand (C>T on the coding strand, the complement: F12 is on the minus strand). VCF-style: chr5-177403569-G-A. GRCh37 (hg19) VCF-style: chr5-176830570-G-A.
Identifiers: ClinVar variation 352987 (VCV000352987.40), dbSNP rs17876033, ClinGen allele CA3581201.
Genomic context (GRCh38, chr5:177,403,569, plus strand): 5'-GAAGGCCTCGTGCAAGCGGTAGGAGCGCACGGCCAACGTCTGGCACGGCTCACAGCTGTG[G>A]TTACGGCGTTCCTGGCCGAGCACCACCGTCAGATCCTCGGGTGCGGGCCTGCGGGGGGGG-3'
Protein context (NP_000496.2, residues 423-443): LTVVLGQERR[Asn433=]HSCEPCQTLA

ClinVar aggregate classification (germline): Benign/Likely benign. Review status: criteria provided, multiple submitters, no conflicts (2 of 4 stars). 5 submissions from 5 submitters: Benign (1); Likely benign (3). 1 of the submissions does not count toward it. Last evaluated 2026-08-01.

Conditions:
Hereditary angioedema type 3 (HAE3). Also called: ESTROGEN-RELATED HAE; ESTROGEN-SENSITIVE HAE; HAE WITH NORMAL C1 INHIBITOR CONCENTRATION AND FUNCTION; ANGIONEUROTIC EDEMA, HEREDITARY, WITH NORMAL C1 INHIBITOR CONCENTRATION AND FUNCTION. Identifiers: Orphanet 100054, MedGen C1857728, MONDO:0012526, OMIM 610618.
F12-related disorder. Also called: F12-related condition; F12-related disorders. Identifiers: MedGen CN239389.

Allele frequency attached by ClinVar (database versions not stated): 1000 Genomes Project 30x 0.00031; 1000 Genomes Project 0.00040; ESP Exome Variant Server 0.00085; TOPMed 0.00085; gnomAD exomes 0.00086 and 0.00163; gnomAD 0.00090 and 0.00093; ExAC 0.00110.
gnomAD v4.1: 2,499 of 1,604,796 alleles (0.16%); highest among the groups gnomAD compares: Non-Finnish European, 0.2%; 7 homozygotes.

Submissions (5):

CeGaT Center for Human Genetics Tuebingen
Classification: Likely benign. Last evaluated: 2026-08-01. Review status: criteria provided, single submitter. Criteria: CeGaT Center For Human Genetics Tuebingen Variant Classification Criteria Version 2. Collection method: clinical testing. Allele origin: germline. Affected: yes. Observed: 3 variant alleles.
Comment: F12: BP4, BP7

Labcorp Genetics (formerly Invitae), Labcorp
Classification: Likely benign. Last evaluated: 2025-02-09. Review status: criteria provided, single submitter. Criteria: Invitae Variant Classification Sherloc (09022015). Collection method: clinical testing. Allele origin: germline.

Blueprint Genetics
Classification: Likely benign. Last evaluated: 2024-11-26. Review status: criteria provided, single submitter. Criteria: ACMG Guidelines, 2015. Collection method: clinical testing. Allele origin: germline.

Illumina Laboratory Services, Illumina
Classification: Benign for Hereditary angioedema type 3. Last evaluated: 2018-01-13. Review status: criteria provided, single submitter. Criteria: ICSL Variant Classification Criteria 13 December 2019. Collection method: clinical testing. Allele origin: germline.
Comment: This variant was observed in the ICSL laboratory as part of a predisposition screen in an ostensibly healthy population. It had not been previously curated by ICSL or reported in the Human Gene Mutation Database (HGMD: prior to June 1st, 2018), and was therefore a candidate for classification through an automated scoring system. Utilizing variant allele frequency, disease prevalence and penetrance estimates, and inheritance mode, an automated score was calculated to assess if this variant is too frequent to cause the disease. Based on the score and internal cut-off values, a variant classified as benign is not then subjected to further curation. The score for this variant resulted in a classification of benign for this disease.

PreventionGenetics, part of Exact Sciences
Classification: Likely benign for F12-related condition. Last evaluated: 2024-05-02. Review status: no assertion criteria provided. Collection method: clinical testing. Allele origin: germline. Not counted in ClinVar's aggregate classification.
Comment: This variant is classified as likely benign based on ACMG/AMP sequence variant interpretation guidelines (Richards et al. 2015 PMID: 25741868, with internal and published modifications).